The following is an entry in ClinVar:

NM_003742.4(ABCB11):c.713G>A (p.Gly238Asp)

Gene: ABCB11 (ATP binding cassette subfamily B member 11; minus strand). Cytogenetic location: 2q31.1.
Variant type: single nucleotide variant.
Coding change: c.713G>A on transcript NM_003742.4 (MANE Select); coding-DNA position 713, G replaced by A.
Protein change: p.Gly238Asp; replaces glycine 238 with aspartic acid.
Molecular consequence: missense variant.
Genome position (GRCh38, 1-based): chr2:168,993,781, C>T on the plus strand (G>A on the coding strand, the complement: ABCB11 is on the minus strand). VCF-style: chr2-168993781-C-T. GRCh37 (hg19) VCF-style: chr2-169850291-C-T.
Other names: short protein forms G238D.
Identifiers: ClinVar variation 1687516 (VCV001687516.1), dbSNP rs72551306, ClinGen allele CA349128362.
Genomic context (GRCh38, chr2:168,993,781, plus strand): 5'-GTGGCTGCTCCAATCCCAATGAGAGGGCTGACAGAAATAATAACCAAGGTCAGTTTCCAA[C>T]CCCTGAAAAATCCCAACAGGAAACCACAGATGGTCGAGGTCATGCGCTGAATGAAAAGGG-3'
Protein context (NP_003733.2, residues 228-248): ICGFLLGFFR[Gly238Asp]WKLTLVIISV

ClinVar aggregate classification (germline): Uncertain significance (1 of 4 stars; one submission).

Conditions:
Progressive familial intrahepatic cholestasis type 2. Identifiers: Orphanet 79304, MedGen C3489789, MONDO:0011156, OMIM 601847.

gnomAD v4.1: 4 of 1,611,040 alleles (0.00025%); highest among the groups gnomAD compares: South Asian, 0.0011%; no homozygotes.

Submission:

3billion
Classification: Uncertain significance for Progressive familial intrahepatic cholestasis type 2. Last evaluated: 2022-05-22. Review status: criteria provided, single submitter. Criteria: ACMG Guidelines, 2015. Collection method: clinical testing. Allele origin: germline. Affected: yes. Observed: 1 homozygote.
Comment: The variant is not observed in the gnomAD v2.1.1 dataset. In silico tool predictions suggest damaging effect of the variant on gene or gene product (REVEL: 0.93; 3Cnet: 0.30). A different missense change at the same codon (p.Gly238Val) has been reported to be associated with ABCB11- related disorder (PMID: 10579978). However the evidence of pathogenicity is insufficient at this time. Therefore, this variant is classified as uncertain significanceaccording to the recommendation of ACMG/AMP guideline.

Literature cited by the submitters: PubMed 10579978.